The following is an entry in ClinVar:

NM_003482.4(KMT2D):c.9981G>A (p.Gln3327=)

Gene: KMT2D (lysine methyltransferase 2D; minus strand). Cytogenetic location: 12q13.12.
Variant type: single nucleotide variant.
Coding change: c.9981G>A on transcript NM_003482.4 (MANE Select); coding-DNA position 9981, G replaced by A.
Protein change: p.Gln3327=; no amino-acid change (glutamine 3327 retained).
Molecular consequence: synonymous variant.
Genome position (GRCh38, 1-based): chr12:49,037,375, C>T on the plus strand (G>A on the coding strand, the complement: KMT2D is on the minus strand). VCF-style: chr12-49037375-C-T. GRCh37 (hg19) VCF-style: chr12-49431158-C-T.
Identifiers: ClinVar variation 2849002 (VCV002849002.7), dbSNP rs376211722, ClinGen allele CA236643585.

ClinVar aggregate classification (germline): Likely benign. Review status: criteria provided, multiple submitters, no conflicts (2 of 4 stars). 4 submissions from 4 submitters: Likely benign (3). 1 of the submissions does not count toward it. Last evaluated 2025-12-22.

Conditions:
KMT2D-related disorder. Also called: KMT2D-Related Disorders.
Kabuki syndrome. Also called: NIIKAWA-KUROKI SYNDROME; Kabuki make-up syndrome. Identifiers: Orphanet 2322, MedGen C0796004, MONDO:0016512.

Allele frequency attached by ClinVar (database versions not stated): gnomAD exomes below 0.00001; gnomAD 0.00001; TOPMed 0.00001; ESP Exome Variant Server 0.00008.
gnomAD v4.1: 12 of 1,609,842 alleles (0.00075%); highest among the groups gnomAD compares: Admixed American, 0.0017%; no homozygotes.

Submissions (4):

Labcorp Genetics (formerly Invitae), Labcorp
Classification: Likely benign for Kabuki syndrome. Last evaluated: 2025-12-22. Review status: criteria provided, single submitter. Criteria: Invitae Variant Classification Sherloc (09022015). Collection method: clinical testing. Allele origin: germline.

Women's Health and Genetics/Laboratory Corporation of America, LabCorp
Classification: Likely benign. Last evaluated: 2025-11-26. Review status: criteria provided, single submitter. Criteria: LabCorp Variant Classification Summary - May 2015. Collection method: clinical testing. Allele origin: germline.

Blueprint Genetics
Classification: Likely benign. Last evaluated: 2024-11-15. Review status: criteria provided, single submitter. Criteria: ACMG Guidelines, 2015. Collection method: clinical testing. Allele origin: germline.

PreventionGenetics, part of Exact Sciences
Classification: Likely benign for KMT2D-related condition. Last evaluated: 2019-09-20. Review status: no assertion criteria provided. Collection method: clinical testing. Allele origin: germline. Not counted in ClinVar's aggregate classification.
Comment: This variant is classified as likely benign based on ACMG/AMP sequence variant interpretation guidelines (Richards et al. 2015 PMID: 25741868, with internal and published modifications).